The following is an entry in ClinVar:

ClinVar aggregate classification (germline): Uncertain significance (1 of 4 stars; one submission).

Conditions:
Peroxisome biogenesis disorder 9B. Also called: PEROXISOME BIOGENESIS DISORDER, PEX7-RELATED, ATYPICAL; PEX7-Related Refsum Disease; Refsum disease, adult, 2. Identifiers: Orphanet 773, MedGen C2749346, MONDO:0013945, OMIM 614879.

Submission:

Labcorp Genetics (formerly Invitae), Labcorp
Classification: Uncertain significance for Peroxisome biogenesis disorder 9B. Last evaluated: 2022-10-13. Review status: criteria provided, single submitter. Criteria: Invitae Variant Classification Sherloc (09022015). Collection method: clinical testing. Allele origin: germline.
Comment: This variant results in a copy number gain of the genomic region encompassing exon(s) 1-5 of the PEX7 gene. This region includes the initiator codon of the gene. This copy number gain extends beyond the assayed region for this gene and therefore may encompass additional genes. As the precise location of this event is unknown, it may be in tandem or it may be located elsewhere in the genome. This variant has not been reported in the literature in individuals affected with PEX7-related conditions. In summary, the available evidence is currently insufficient to determine the role of this variant in disease. Therefore, it has been classified as a Variant of Uncertain Significance.

NC_000006.11:g.(?_137143759)_(137167339_?)dup

Gene: PEX7 (peroxisomal biogenesis factor 7; plus strand). Cytogenetic location: 6q23.3.
Variant type: Duplication.
Identifiers: ClinVar variation 2422819 (VCV002422819.3).